The following is an entry in ClinVar:

ClinVar aggregate classification (germline): Uncertain significance (1 of 4 stars; one submission).

Submission:

Women's Health and Genetics/Laboratory Corporation of America, LabCorp
Classification: Uncertain significance. Last evaluated: 2026-04-02. Review status: criteria provided, single submitter. Criteria: LabCorp Variant Classification Summary - May 2015. Collection method: clinical testing. Allele origin: germline.
Comment: Variant summary: DSP c.4102A>T (p.Thr1368Ser) results in a conservative amino acid change in the encoded protein sequence. Algorithms developed to predict the effect of missense changes on protein structure and function are either unavailable or do not agree on the potential impact of this missense change. The variant was absent in 250696 control chromosomes. The available data on variant occurrences in the general population are insufficient to allow any conclusion about variant significance. c.4102A>T has been observed in a case of unexplained cardiac arrest, however further clinical information was not provided (Grondin_2022). This report does not provide unequivocal conclusions about association of the variant with DSP-related conditions. To our knowledge, no experimental evidence demonstrating an impact on protein function has been reported. The following publication has been ascertained in the context of this evaluation (PMID: 35352813). No submitters have cited clinical-significance assessments for this variant to ClinVar. Based on the evidence outlined above, the variant was classified as uncertain significance.

Literature cited by the submitters: PubMed 35352813.

NM_004415.4(DSP):c.4102A>T (p.Thr1368Ser)

Gene: DSP (desmoplakin; plus strand). Cytogenetic location: 6p24.3.
Variant type: single nucleotide variant.
Coding change: c.4102A>T on transcript NM_004415.4 (MANE Select); coding-DNA position 4102, A replaced by T.
Protein change: p.Thr1368Ser; replaces threonine 1368 with serine.
Molecular consequence: missense variant. On other transcripts: intron variant (2).
Genome position (GRCh38, 1-based): chr6:7,580,292, A>T. VCF-style: chr6-7580292-A-T. GRCh37 (hg19) VCF-style: chr6-7580525-A-T.
Other names: c.4050+52A>T (NM_001319034.2); c.3582+520A>T (NM_001008844.3); short protein forms T1368S.
Identifiers: ClinVar variation 4848945 (VCV004848945.1).